The following is an entry in ClinVar:

NM_000094.4(COL7A1):c.7314_7317dup (p.Gly2440fs)

Gene: COL7A1 (collagen type VII alpha 1 chain; minus strand). Cytogenetic location: 3p21.31.
Variant type: Duplication.
Coding change: c.7314_7317dup on transcript NM_000094.4 (MANE Select); coding-DNA positions 7314 to 7317, 4 bases duplicated (CCTG; older notation c.7314_7317dupCCTG).
Protein change: p.Gly2440fs; shifts the reading frame from glycine 2440.
Molecular consequence: frameshift variant.
Genome position (GRCh38, 1-based): chr3:48,570,666-48,570,669, CAGG duplicated on the plus strand (CCTG on the coding strand, the reverse complement: COL7A1 is on the minus strand). VCF-style (leftmost placement, unchanged base first): chr3-48570665-C-CCAGG. GRCh37 (hg19) VCF-style: chr3-48608098-C-CCAGG.
Other names: short protein forms G2440fs.
Identifiers: ClinVar variation 4065220 (VCV004065220.2).

ClinVar aggregate classification (germline): Likely pathogenic (1 of 4 stars; one submission).

Conditions:
Epidermolysis bullosa dystrophica. Also called: Dystrophic epidermolysis bullosa, Hallopeau-Siemens type (formerly); Dystrophic epidermolysis bullosa. Identifiers: Orphanet 303, MedGen C0079294, MONDO:0006543.

Submission:

Natera, Inc.
Classification: Likely pathogenic for Dystrophic epidermolysis bullosa. Last evaluated: 2025-03-14. Review status: criteria provided, single submitter. Criteria: Natera Variant Classification Schema (03/2026). Collection method: clinical testing. Allele origin: germline.
Comment: The c.7314_7317dup variant in COL7A1 is a frameshift variant predicted to shift the reading frame beginning at codon 2440 and leads to a stop codon 44 codons downstream. This variant is expected to result in nonsense mediated decay, truncation, or a dysfunctional protein product. This variant is rare in the general population with a frequency below the threshold expected for the associated phenotype(s). Given the available evidence, this variant is classified as Likely Pathogenic.